The following is an entry in ClinVar:

NM_001754.5(RUNX1):c.1031A>T (p.Asp344Val)

Gene: RUNX1 (RUNX family transcription factor 1; minus strand). Cytogenetic location: 21q22.12.
Variant type: single nucleotide variant.
Coding change: c.1031A>T on transcript NM_001754.5 (MANE Select); coding-DNA position 1031, A replaced by T.
Protein change: p.Asp344Val; replaces aspartic acid 344 with valine.
Molecular consequence: missense variant.
Genome position (GRCh38, 1-based): chr21:34,792,547, T>A on the plus strand (A>T on the coding strand, the complement: RUNX1 is on the minus strand). VCF-style: chr21-34792547-T-A. GRCh37 (hg19) VCF-style: chr21-36164844-T-A.
Other names: NM_001754.5(RUNX1):c.1031A>T; p.Asp344Val; c.950A>T, p.Asp317Val (NM_001001890.3); short protein forms D317V, D344V.
Identifiers: ClinVar variation 2763182 (VCV002763182.4), dbSNP rs2145877701, ClinGen allele CA410148496.

ClinVar aggregate classification (germline): Uncertain significance. Review status: reviewed by expert panel (3 of 4 stars). 2 submissions from 2 submitters: Uncertain significance (1). 1 of the submissions does not count toward it. Last evaluated 2024-09-12.

Conditions:
Hereditary thrombocytopenia and hematological cancer predisposition syndrome associated with RUNX1. Also called: Familial Platelet Disorder with Propensity to Acute Myelogenous Leukemia; Familial thrombocytopenia with propensity to acute myelogenous leukemia; PLATELET DISORDER, ASPIRIN-LIKE; RUNX1 Familial Platelet Disorder with Associated Myeloid Malignancies. Identifiers: Orphanet 71290, MedGen C1832388, MeSH C563324, MONDO:0100083, OMIM 601399.
Hereditary thrombocytopenia and hematologic cancer predisposition syndrome. Identifiers: Orphanet 71290, MedGen CN281654, MONDO:0011071.

Submissions (2):

ClinGen Myeloid Malignancy Variant Curation Expert Panel
Classification: Uncertain significance for Hereditary thrombocytopenia and hematologic cancer predisposition syndrome. Last evaluated: 2024-09-12. Review status: reviewed by expert panel. Criteria: ClinGen MyeloMalig ACMG Specifications v2. Collection method: curation. Allele origin: germline. Inheritance: Autosomal dominant inheritance.
Comment: NM_001754.5(RUNX1):c.1031A>T (p.Asp344Val) is a missense variant which has a REVEL score < 0.50 (0.281) and a SpliceAI score ≤ 0.20 (Δ score 0.00) (BP4). It is completely absent from all population databases with at least 20x coverage for RUNX1 (PM2_Supporting). In summary, the clinical significance of this variant is uncertain. ACMG/AMP criteria applied, as specified by the Myeloid Malignancy Variant Curation Expert Panel for RUNX1: BP4, PM2_Supporting.

Labcorp Genetics (formerly Invitae), Labcorp
Classification: Uncertain significance for Hereditary thrombocytopenia and hematological cancer predisposition syndrome associated with RUNX1. Last evaluated: 2023-09-25. Review status: criteria provided, single submitter. Criteria: Invitae Variant Classification Sherloc (09022015). Collection method: clinical testing. Allele origin: germline. Not counted in ClinVar's aggregate classification.
Comment: This sequence change replaces aspartic acid, which is acidic and polar, with valine, which is neutral and non-polar, at codon 344 of the RUNX1 protein (p.Asp344Val). This variant is not present in population databases (gnomAD no frequency). This variant has not been reported in the literature in individuals affected with RUNX1-related conditions. Advanced modeling of protein sequence and biophysical properties (such as structural, functional, and spatial information, amino acid conservation, physicochemical variation, residue mobility, and thermodynamic stability) performed at Invitae indicates that this missense variant is not expected to disrupt RUNX1 protein function. In summary, the available evidence is currently insufficient to determine the role of this variant in disease. Therefore, it has been classified as a Variant of Uncertain Significance.